The following is an entry in ClinVar:

ClinVar aggregate classification (germline): Uncertain significance (1 of 4 stars; one submission).

Submission:

Labcorp Genetics (formerly Invitae), Labcorp
Classification: Uncertain significance. Last evaluated: 2022-06-05. Review status: criteria provided, single submitter. Criteria: Invitae Variant Classification Sherloc (09022015). Collection method: clinical testing. Allele origin: germline.
Comment: This sequence change replaces alanine, which is neutral and non-polar, with proline, which is neutral and non-polar, at codon 780 of the SLC12A6 protein (p.Ala780Pro). This variant is not present in population databases (gnomAD no frequency). This variant has not been reported in the literature in individuals affected with SLC12A6-related conditions. Algorithms developed to predict the effect of missense changes on protein structure and function are either unavailable or do not agree on the potential impact of this missense change (SIFT: "Tolerated"; PolyPhen-2: "Probably Damaging"; Align-GVGD: "Class C0"). Algorithms developed to predict the effect of sequence changes on RNA splicing suggest that this variant may disrupt the consensus splice site. In summary, the available evidence is currently insufficient to determine the role of this variant in disease. Therefore, it has been classified as a Variant of Uncertain Significance.

NM_001365088.1(SLC12A6):c.2338G>C (p.Ala780Pro)

Gene: SLC12A6 (solute carrier family 12 member 6; minus strand). Cytogenetic location: 15q14.
Variant type: single nucleotide variant.
Coding change: c.2338G>C on transcript NM_001365088.1 (MANE Select); coding-DNA position 2338, G replaced by C.
Protein change: p.Ala780Pro; replaces alanine 780 with proline.
Molecular consequence: missense variant.
Genome position (GRCh38, 1-based): chr15:34,240,759, C>G on the plus strand (G>C on the coding strand, the complement: SLC12A6 is on the minus strand). VCF-style: chr15-34240759-C-G. GRCh37 (hg19) VCF-style: chr15-34532960-C-G.
Other names: c.2161G>C, p.Ala721Pro (NM_001042494.2, NM_001042495.2); c.2311G>C, p.Ala771Pro (NM_001042496.2); c.2293G>C, p.Ala765Pro (NM_001042497.2); c.2185G>C, p.Ala729Pro (NM_005135.2); c.2338G>C, p.Ala780Pro (NM_133647.2); short protein forms A729P, A721P, A771P, A765P, A780P.
Identifiers: ClinVar variation 2096903 (VCV002096903.4), dbSNP rs2509761713, ClinGen allele CA391619751.